The following is an entry in ClinVar:

NM_000214.3(JAG1):c.766G>A (p.Gly256Ser)

Gene: JAG1 (jagged canonical Notch ligand 1; minus strand). Cytogenetic location: 20p12.2.
Variant type: single nucleotide variant.
Coding change: c.766G>A on transcript NM_000214.3 (MANE Select); coding-DNA position 766, G replaced by A.
Protein change: p.Gly256Ser; replaces glycine 256 with serine.
Molecular consequence: missense variant.
Genome position (GRCh38, 1-based): chr20:10,652,588, C>T on the plus strand (G>A on the coding strand, the complement: JAG1 is on the minus strand). VCF-style: chr20-10652588-C-T. GRCh37 (hg19) VCF-style: chr20-10633236-C-T.
Other names: short protein forms G256S.
Identifiers: ClinVar variation 3573093 (VCV003573093.4).

ClinVar aggregate classification (germline): Uncertain significance (1 of 4 stars; one submission).

Conditions:
Alagille syndrome due to a JAG1 point mutation. Also called: HEPATIC DUCTULAR HYPOPLASIA, SYNDROMATIC; Alagille Syndrome 1; JAG1-Related Alagille Syndrome. Identifiers: Orphanet 261619, Orphanet 52, MedGen C1956125, MONDO:0016862, OMIM 118450.

gnomAD v4.1: 2 of 1,613,812 alleles (0.00012%); highest among the groups gnomAD compares: Non-Finnish European, 0.00017%; no homozygotes.

Submissions (2):

Labcorp Genetics (formerly Invitae), Labcorp
Classification: Uncertain significance for Alagille syndrome due to a JAG1 point mutation. Last evaluated: 2025-08-23. Review status: criteria provided, single submitter. Criteria: Invitae Variant Classification Sherloc (09022015). Collection method: clinical testing. Allele origin: germline.
Comment: This sequence change replaces glycine, which is neutral and non-polar, with serine, which is neutral and polar, at codon 256 of the JAG1 protein (p.Gly256Ser). This variant is not present in population databases (gnomAD no frequency). This missense change has been observed in individual(s) with Alagille syndrome (PMID: 16575836). ClinVar contains an entry for this variant (Variation ID: 3573093). Invitae Evidence Modeling of protein sequence and biophysical properties (such as structural, functional, and spatial information, amino acid conservation, physicochemical variation, residue mobility, and thermodynamic stability) indicates that this missense variant is expected to disrupt JAG1 protein function with a positive predictive value of 95%. This variant disrupts the p.Gly256 amino acid residue in JAG1. Other variant(s) that disrupt this residue have been observed in individuals with JAG1-related conditions (PMID: 16575836, 22405927), which suggests that this may be a clinically significant amino acid residue. In summary, the available evidence is currently insufficient to determine the role of this variant in disease. Therefore, it has been classified as a Variant of Uncertain Significance.

Gilbert/Spinner Lab, Children's Hospital of Philadelphia
No classification provided (evidence only). Condition: Alagille syndrome. Review status: no classification provided. Collection method: research. Allele origin: not applicable. Functional consequence: functionally_abnormal. Not counted in ClinVar's aggregate classification.
ClinVar note: "not provided" was previously submitted as the classification for the variant. However, the classification appeared to be based only on an observation of functional data so it was converted to no classification on 2025-07-30.

Literature cited by the submitters: PubMed 16575836 (cited by Labcorp Genetics (formerly Invitae), Labcorp); PubMed 22405927 (cited by Labcorp Genetics (formerly Invitae), Labcorp).